The following is an entry in ClinVar:

NM_015354.3(NUP188):c.825G>A (p.Glu275=)

Gene: NUP188 (nucleoporin 188; plus strand). Cytogenetic location: 9q34.11.
Variant type: single nucleotide variant.
Coding change: c.825G>A on transcript NM_015354.3 (MANE Select); coding-DNA position 825, G replaced by A.
Protein change: p.Glu275=; no amino-acid change (glutamic acid 275 retained).
Molecular consequence: synonymous variant.
Genome position (GRCh38, 1-based): chr9:128,969,427, G>A. VCF-style: chr9-128969427-G-A. GRCh37 (hg19) VCF-style: chr9-131731706-G-A.
Identifiers: ClinVar variation 3025649 (VCV003025649.22), dbSNP rs573424580, ClinGen allele CA5272131.

ClinVar aggregate classification (germline): Likely benign (1 of 4 stars; one submission).

Allele frequency attached by ClinVar (database versions not stated): TOPMed 0.00003; gnomAD 0.00011; ExAC 0.00044; 1000 Genomes Project 0.00060; 1000 Genomes Project 30x 0.00094.
gnomAD v4.1: 332 of 1,611,468 alleles (0.021%); highest among the groups gnomAD compares: South Asian, 0.34%; 3 homozygotes.

Submission:

CeGaT Center for Human Genetics Tuebingen
Classification: Likely benign. Last evaluated: 2023-12-01. Review status: criteria provided, single submitter. Criteria: CeGaT Center For Human Genetics Tuebingen Variant Classification Criteria Version 2. Collection method: clinical testing. Allele origin: germline. Affected: yes. Observed: 1 variant allele.
Comment: NUP188: BP4, BP7